The following is an entry in ClinVar:

ClinVar aggregate classification (germline): Likely pathogenic (1 of 4 stars; one submission).

Conditions:
Dilated cardiomyopathy 1G (CMD1G). Identifiers: Orphanet 154, MedGen C1858763, MONDO:0011400, OMIM 604145.
Autosomal recessive limb-girdle muscular dystrophy type 2J (LGMDR10). Also called: Limb-girdle muscular dystrophy, type 2J; MUSCULAR DYSTROPHY, LIMB-GIRDLE, AUTOSOMAL RECESSIVE 10. Identifiers: Orphanet 140922, MedGen C1837342, MONDO:0012127, OMIM 608807.

Submission:

Labcorp Genetics (formerly Invitae), Labcorp
Classification: Likely pathogenic for Dilated cardiomyopathy 1G; Autosomal recessive limb-girdle muscular dystrophy type 2J. Last evaluated: 2024-10-18. Review status: criteria provided, single submitter. Criteria: Invitae Variant Classification Sherloc (09022015). Collection method: clinical testing. Allele origin: germline.
Comment: This sequence change creates a premature translational stop signal (p.Glu143*) in the TTN gene. While this is not anticipated to result in nonsense mediated decay, it is expected to create a truncated TTN protein. This variant is not present in population databases (gnomAD no frequency). This variant has not been reported in the literature in individuals affected with TTN-related conditions. ClinVar contains an entry for this variant (Variation ID: 1946870). This variant is located in the Z band of TTN (PMID: 25589632). Truncating variants in this region have been reported in individuals affected with autosomal recessive centronuclear myopathy (PMID: 33449170, internal data). Truncating variants in this region have also been identified in individuals affected with autosomal dominant dilated cardiomyopathy and/or cardio-related conditions (PMID: 27869827, 32964742, internal data). In summary, the currently available evidence indicates that the variant is pathogenic, but additional data are needed to prove that conclusively. Therefore, this variant has been classified as Likely Pathogenic.

Literature cited by the submitters: PubMed 25589632; PubMed 33449170; PubMed 27869827; PubMed 32964742.

NM_001267550.2(TTN):c.427G>T (p.Glu143Ter)

Gene: TTN (titin; minus strand). Cytogenetic location: 2q31.2.
Variant type: single nucleotide variant.
Coding change: c.427G>T on transcript NM_001267550.2 (MANE Select); coding-DNA position 427, G replaced by T.
Protein change: p.Glu143Ter; replaces glutamic acid 143 with a stop codon.
Molecular consequence: nonsense.
Genome position (GRCh38, 1-based): chr2:178,800,551, C>A on the plus strand (G>T on the coding strand, the complement: TTN is on the minus strand). VCF-style: chr2-178800551-C-A. GRCh37 (hg19) VCF-style: chr2-179665278-C-A.
Other names: c.427G>T, p.Glu143Ter (NM_001256850.1, NM_003319.4, NM_133378.4 and 3 more transcripts); short protein forms E143*.
Identifiers: ClinVar variation 1946870 (VCV001946870.5), dbSNP rs754182768, ClinGen allele CA349528015.
Genomic context (GRCh38, chr2:178,800,551, plus strand): 5'-TCAGTAAGCTGTAGAGGTCGCCTTCTTGTGAAATTTGGAAATCAAGGGAGCTCTGGATTT[C>A]GGCTCCATCCCGGTAGAACTTCACCACAGGTGTAGGGATTCCAGTCACTCTCACTTGGAG-3'